The following is an entry in ClinVar:

ClinVar aggregate classification (germline): Uncertain significance. Review status: criteria provided, multiple submitters, no conflicts (2 of 4 stars). 2 submissions from 2 submitters: Uncertain significance (2). Last evaluated 2025-04-10.

Conditions:
Long QT syndrome (LQTS). Identifiers: MedGen C0023976, MeSH D008133, MONDO:0002442. Disease mechanism: loss of function. Inheritance: Various modes of inheritance.
Cardiovascular phenotype. Identifiers: MedGen CN230736.

gnomAD v4.1: 2 of 1,614,046 alleles (0.00012%); highest among the groups gnomAD compares: African/African-American, 0.0027%; no homozygotes.

Submissions (2):

Labcorp Genetics (formerly Invitae), Labcorp
Classification: Uncertain significance for Long QT syndrome. Last evaluated: 2025-04-10. Review status: criteria provided, single submitter. Criteria: Invitae Variant Classification Sherloc (09022015). Collection method: clinical testing. Allele origin: germline.
Comment: This sequence change replaces threonine, which is neutral and polar, with alanine, which is neutral and non-polar, at codon 513 of the KCNQ1 protein (p.Thr513Ala). This variant is present in population databases (no rsID available, gnomAD 0.007%). This variant has not been reported in the literature in individuals affected with KCNQ1-related conditions. ClinVar contains an entry for this variant (Variation ID: 1774734). Invitae Evidence Modeling of protein sequence and biophysical properties (such as structural, functional, and spatial information, amino acid conservation, physicochemical variation, residue mobility, and thermodynamic stability) indicates that this missense variant is not expected to disrupt KCNQ1 protein function with a negative predictive value of 95%. In summary, the available evidence is currently insufficient to determine the role of this variant in disease. Therefore, it has been classified as a Variant of Uncertain Significance.

Ambry Genetics
Classification: Uncertain significance for Cardiovascular phenotype. Last evaluated: 2021-09-29. Review status: criteria provided, single submitter. Criteria: Ambry Variant Classification Scheme 2023. Collection method: clinical testing. Allele origin: germline.
Comment: The p.T513A variant (also known as c.1537A>G), located in coding exon 12 of the KCNQ1 gene, results from an A to G substitution at nucleotide position 1537. The threonine at codon 513 is replaced by alanine, an amino acid with similar properties. This amino acid position is not well conserved in available vertebrate species. In addition, the in silico prediction for this alteration is inconclusive. Since supporting evidence is limited at this time, the clinical significance of this alteration remains unclear.

Literature cited by the submitters: PubMed 29452158 (cited by Ambry Genetics).

NM_000218.3(KCNQ1):c.1537A>G (p.Thr513Ala)

Gene: KCNQ1 (potassium voltage-gated channel subfamily Q member 1; plus strand). Cytogenetic location: 11p15.5.
Variant type: single nucleotide variant.
Coding change: c.1537A>G on transcript NM_000218.3 (MANE Select); coding-DNA position 1537, A replaced by G.
Protein change: p.Thr513Ala; replaces threonine 513 with alanine.
Molecular consequence: missense variant.
Genome position (GRCh38, 1-based): chr11:2,768,866, A>G. VCF-style: chr11-2768866-A-G. GRCh37 (hg19) VCF-style: chr11-2790096-A-G.
Other names: c.1441A>G, p.Thr481Ala (NM_001406836.1); c.1267A>G, p.Thr423Ala (NM_001406837.1); c.997A>G, p.Thr333Ala (NM_001406838.1); c.1156A>G, p.Thr386Ala (NM_181798.2); short protein forms T513A, T333A, T386A, T481A, T423A.
Identifiers: ClinVar variation 1774734 (VCV001774734.3), dbSNP rs778975231, ClinGen allele CA379138935.